The following is an entry in ClinVar:

NM_001365088.1(SLC12A6):c.3220dup (p.Met1074fs)

Gene: SLC12A6 (solute carrier family 12 member 6; minus strand). Cytogenetic location: 15q14.
Variant type: Duplication.
Coding change: c.3220dup on transcript NM_001365088.1 (MANE Select); coding-DNA position 3220, one base duplicated (A; older notation c.3220dupA).
Protein change: p.Met1074fs; shifts the reading frame from methionine 1074.
Molecular consequence: frameshift variant.
Genome position (GRCh38, 1-based): chr15:34,236,022, T duplicated on the plus strand (A on the coding strand, the reverse complement: SLC12A6 is on the minus strand). VCF-style (leftmost placement, unchanged base first): chr15-34236021-A-AT. GRCh37 (hg19) VCF-style: chr15-34528222-A-AT.
Other names: c.3220dupA (NM_133647.1); c.3043dup, p.Met1015fs (NM_001042494.2, NM_001042495.2); c.3193dup, p.Met1065fs (NM_001042496.2); c.3175dup, p.Met1059fs (NM_001042497.2); c.3067dup, p.Met1023fs (NM_005135.2); c.3220dup, p.Met1074fs (NM_133647.2); short protein forms M1015fs, M1059fs, M1074fs, M1065fs, M1023fs.
Identifiers: ClinVar variation 371461 (VCV000371461.5), dbSNP rs1057517289, ClinGen allele CA16041714.

ClinVar aggregate classification (germline): Pathogenic. Review status: criteria provided, single submitter (1 of 4 stars). 2 submissions from 2 submitters: Pathogenic (1). 1 of the submissions does not count toward it. Last evaluated 2024-05-31.

Conditions:
Agenesis of the corpus callosum with peripheral neuropathy (ACCPN). Also called: Hereditary Motor and Sensory Neuropathy with Agenesis of the Corpus Callosum; POLYNEUROPATHY, SENSORIMOTOR, WITH OR WITHOUT AGENESIS OF THE CORPUS CALLOSUM; HMSN/ACC; CHARLEVOIX DISEASE. Identifiers: Orphanet 1496, MedGen C0795950, MONDO:0000902, OMIM 218000. Disease mechanism: loss of function.

Allele frequency attached by ClinVar (database versions not stated): gnomAD exomes below 0.00001.

Submissions (2):

Labcorp Genetics (formerly Invitae), Labcorp
Classification: Pathogenic. Last evaluated: 2024-05-31. Review status: criteria provided, single submitter. Criteria: Invitae Variant Classification Sherloc (09022015). Collection method: clinical testing. Allele origin: germline.
Comment: This sequence change creates a premature translational stop signal (p.Met1074Asnfs*23) in the SLC12A6 gene. It is expected to result in an absent or disrupted protein product. Loss-of-function variants in SLC12A6 are known to be pathogenic (PMID: 12368912, 16606917). This variant is not present in population databases (gnomAD no frequency). This variant has not been reported in the literature in individuals affected with SLC12A6-related conditions. ClinVar contains an entry for this variant (Variation ID: 371461). For these reasons, this variant has been classified as Pathogenic.

Counsyl
Classification: Likely pathogenic for Agenesis of the corpus callosum with peripheral neuropathy. Last evaluated: 2016-09-28. Review status: no assertion criteria provided. Collection method: clinical testing. Allele origin: unknown. Not counted in ClinVar's aggregate classification.

Literature cited by the submitters: PubMed 12368912 (cited by Labcorp Genetics (formerly Invitae), Labcorp); PubMed 16606917 (cited by Labcorp Genetics (formerly Invitae), Labcorp).